The following is an entry in ClinVar:

NM_018136.5(ASPM):c.1460C>T (p.Pro487Leu)

Gene: ASPM (assembly factor for spindle microtubules; minus strand). Cytogenetic location: 1q31.3.
Variant type: single nucleotide variant.
Coding change: c.1460C>T on transcript NM_018136.5 (MANE Select); coding-DNA position 1460, C replaced by T.
Protein change: p.Pro487Leu; replaces proline 487 with leucine.
Molecular consequence: missense variant.
Genome position (GRCh38, 1-based): chr1:197,142,792, G>A on the plus strand (C>T on the coding strand, the complement: ASPM is on the minus strand). VCF-style: chr1-197142792-G-A. GRCh37 (hg19) VCF-style: chr1-197111922-G-A.
Other names: c.1460C>T, p.Pro487Leu (NM_001206846.2); c.1460C>T (NM_018136.4); short protein forms P487L.
Identifiers: ClinVar variation 1982299 (VCV001982299.5), dbSNP rs1009847855, ClinGen allele CA35861079.

ClinVar aggregate classification (germline): Uncertain significance. Review status: criteria provided, multiple submitters, no conflicts (2 of 4 stars). 2 submissions from 2 submitters: Uncertain significance (2). Last evaluated 2025-01-27.

Conditions:
Inborn genetic diseases. Identifiers: MedGen C0950123, MeSH D030342.

Allele frequency attached by ClinVar (database versions not stated): gnomAD exomes below 0.00001; gnomAD 0.00003; TOPMed 0.00003.
gnomAD v4.1: 6 of 1,613,478 alleles (0.00037%); highest among the groups gnomAD compares: African/African-American, 0.0067%; no homozygotes.

Submissions (2):

Labcorp Genetics (formerly Invitae), Labcorp
Classification: Uncertain significance. Last evaluated: 2025-01-27. Review status: criteria provided, single submitter. Criteria: Invitae Variant Classification Sherloc (09022015). Collection method: clinical testing. Allele origin: germline.
Comment: This sequence change replaces proline, which is neutral and non-polar, with leucine, which is neutral and non-polar, at codon 487 of the ASPM protein (p.Pro487Leu). This variant is present in population databases (no rsID available, gnomAD 0.01%). This variant has not been reported in the literature in individuals affected with ASPM-related conditions. ClinVar contains an entry for this variant (Variation ID: 1982299). Invitae Evidence Modeling of protein sequence and biophysical properties (such as structural, functional, and spatial information, amino acid conservation, physicochemical variation, residue mobility, and thermodynamic stability) indicates that this missense variant is not expected to disrupt ASPM protein function with a negative predictive value of 80%. In summary, the available evidence is currently insufficient to determine the role of this variant in disease. Therefore, it has been classified as a Variant of Uncertain Significance.

Ambry Genetics
Classification: Uncertain significance for Inborn genetic diseases. Last evaluated: 2024-10-09. Review status: criteria provided, single submitter. Criteria: Ambry Variant Classification Scheme 2023. Collection method: clinical testing. Allele origin: germline.